The following is an entry in ClinVar:

ClinVar aggregate classification (germline): Uncertain significance. Review status: criteria provided, multiple submitters, no conflicts (2 of 4 stars). 2 submissions from 2 submitters: Uncertain significance (2). Last evaluated 2023-11-11.

Conditions:
Hereditary cancer-predisposing syndrome. Also called: Neoplastic Syndromes, Hereditary; Tumor predisposition; Hereditary neoplastic syndrome; Hereditary Cancer Syndrome. Identifiers: Orphanet 140162, MedGen C0027672, MeSH D009386, MONDO:0015356.
Renal cell carcinoma. Identifiers: Orphanet 217071, MedGen C0007134, MeSH D002292, MONDO:0005086, HP:0005584.

Allele frequency attached by ClinVar (database versions not stated): gnomAD exomes below 0.00001.
gnomAD v4.1: 1 of 1,614,204 alleles (0.000062%); highest among the groups gnomAD compares: Non-Finnish European, 0.000085%; no homozygotes.

Submissions (2):

Labcorp Genetics (formerly Invitae), Labcorp
Classification: Uncertain significance for Renal cell carcinoma. Last evaluated: 2023-11-11. Review status: criteria provided, single submitter. Criteria: Invitae Variant Classification Sherloc (09022015). Collection method: clinical testing. Allele origin: germline.
Comment: This sequence change replaces lysine, which is basic and polar, with glutamic acid, which is acidic and polar, at codon 1341 of the MET protein (p.Lys1341Glu). This variant is not present in population databases (gnomAD no frequency). This variant has not been reported in the literature in individuals affected with MET-related conditions. ClinVar contains an entry for this variant (Variation ID: 824515). Advanced modeling of protein sequence and biophysical properties (such as structural, functional, and spatial information, amino acid conservation, physicochemical variation, residue mobility, and thermodynamic stability) performed at Invitae indicates that this missense variant is not expected to disrupt MET protein function with a negative predictive value of 80%. In summary, the available evidence is currently insufficient to determine the role of this variant in disease. Therefore, it has been classified as a Variant of Uncertain Significance.

Ambry Genetics
Classification: Uncertain significance for Hereditary cancer-predisposing syndrome. Last evaluated: 2019-02-28. Review status: criteria provided, single submitter. Criteria: Ambry Variant Classification Scheme 2023. Collection method: clinical testing. Allele origin: germline.
Comment: The p.K1341E variant (also known as c.4021A>G), located in coding exon 20 of the MET gene, results from an A to G substitution at nucleotide position 4021. The lysine at codon 1341 is replaced by glutamic acid, an amino acid with similar properties. This amino acid position is not well conserved in available vertebrate species. In addition, this alteration is predicted to be tolerated by in silico analysis. Since supporting evidence is limited at this time, the clinical significance of this alteration remains unclear.

NM_000245.4(MET):c.3967A>G (p.Lys1323Glu)

Gene: MET (MET proto-oncogene, receptor tyrosine kinase; plus strand). Cytogenetic location: 7q31.2.
Variant type: single nucleotide variant.
Coding change: c.3967A>G on transcript NM_000245.4 (MANE Select); coding-DNA position 3967, A replaced by G.
Protein change: p.Lys1323Glu; replaces lysine 1323 with glutamic acid.
Molecular consequence: missense variant.
Genome position (GRCh38, 1-based): chr7:116,795,918, A>G. VCF-style: chr7-116795918-A-G. GRCh37 (hg19) VCF-style: chr7-116435972-A-G.
Other names: c.4021A>G, p.Lys1341Glu (NM_001127500.3); c.2677A>G, p.Lys893Glu (NM_001324402.2); short protein forms K1323E, K1341E, K893E.
Identifiers: ClinVar variation 824515 (VCV000824515.7), dbSNP rs1584978266, ClinGen allele CA369118115.